The following is an entry in ClinVar:

ClinVar aggregate classification (germline): Uncertain significance (1 of 4 stars; one submission).

Allele frequency attached by ClinVar (database versions not stated): gnomAD exomes 0.00001 and 0.00002; ExAC 0.00002.
gnomAD v4.1: 9 of 1,611,856 alleles (0.00056%); highest among the groups gnomAD compares: Admixed American, 0.0017%; no homozygotes.

Submission:

Labcorp Genetics (formerly Invitae), Labcorp
Classification: Uncertain significance. Last evaluated: 2021-08-28. Review status: criteria provided, single submitter. Criteria: Invitae Variant Classification Sherloc (09022015). Collection method: clinical testing. Allele origin: germline.
Comment: This sequence change replaces leucine with valine at codon 409 of the MCM3AP protein (p.Leu409Val). The leucine residue is moderately conserved and there is a small physicochemical difference between leucine and valine. This variant is present in population databases (rs773228537, ExAC 0.003%). This variant has not been reported in the literature in individuals affected with MCM3AP-related conditions. Algorithms developed to predict the effect of missense changes on protein structure and function output the following: SIFT: "Tolerated"; PolyPhen-2: "Benign"; Align-GVGD: "Class C0". The valine amino acid residue is found in multiple mammalian species, which suggests that this missense change does not adversely affect protein function. Algorithms developed to predict the effect of sequence changes on RNA splicing suggest that this variant may create or strengthen a splice site. In summary, the available evidence is currently insufficient to determine the role of this variant in disease. Therefore, it has been classified as a Variant of Uncertain Significance.

NM_003906.5(MCM3AP):c.1225C>G (p.Leu409Val)

Gene: MCM3AP (minichromosome maintenance complex component 3 associated protein; minus strand). Cytogenetic location: 21q22.3.
Variant type: single nucleotide variant.
Coding change: c.1225C>G on transcript NM_003906.5 (MANE Select); coding-DNA position 1225, C replaced by G.
Protein change: p.Leu409Val; replaces leucine 409 with valine.
Molecular consequence: missense variant.
Genome position (GRCh38, 1-based): chr21:46,283,833, G>C on the plus strand (C>G on the coding strand, the complement: MCM3AP is on the minus strand). VCF-style: chr21-46283833-G-C. GRCh37 (hg19) VCF-style: chr21-47703747-G-C.
Other names: short protein forms L409V.
Identifiers: ClinVar variation 1508051 (VCV001508051.5), dbSNP rs773228537, ClinGen allele CA10077145.